The following is an entry in ClinVar:

ClinVar aggregate classification (germline): Pathogenic (1 of 4 stars; one submission).

Conditions:
Medium-chain acyl-coenzyme A dehydrogenase deficiency (ACADMD). Also called: MCADD; ACADM DEFICIENCY; CARNITINE DEFICIENCY SECONDARY TO MEDIUM-CHAIN ACYL-CoA DEHYDROGENASE DEFICIENCY; MCADH DEFICIENCY; Medium chain acyl-CoA dehydrogenase deficiency; MCAD Deficiency. Identifiers: Orphanet 42, MedGen C0220710, MONDO:0008721, OMIM 201450.

Submission:

Labcorp Genetics (formerly Invitae), Labcorp
Classification: Pathogenic for Medium-chain acyl-coenzyme A dehydrogenase deficiency. Last evaluated: 2022-11-15. Review status: criteria provided, single submitter. Criteria: Invitae Variant Classification Sherloc (09022015). Collection method: clinical testing. Allele origin: germline.
Comment: Disruption of this splice site has been observed in individual(s) with medium-chain acyl-coenzyme A dehydrogenase deficiency (PMID: 27943070; Invitae). This variant is not present in population databases (gnomAD no frequency). This sequence change affects a donor splice site in intron 6 of the ACADM gene. It is expected to disrupt RNA splicing. Variants that disrupt the donor or acceptor splice site typically lead to a loss of protein function (PMID: 16199547), and loss-of-function variants in ACADM are known to be pathogenic (PMID: 16121256, 20434380). For these reasons, this variant has been classified as Pathogenic. Algorithms developed to predict the effect of sequence changes on RNA splicing suggest that this variant may disrupt the consensus splice site. ClinVar contains an entry for this variant (Variation ID: 958925).

Literature cited by the submitters: PubMed 27943070; PubMed 16199547; PubMed 16121256; PubMed 20434380.

NM_000016.6(ACADM):c.468+2T>G

Gene: ACADM (acyl-CoA dehydrogenase medium chain; plus strand). Cytogenetic location: 1p31.1.
Variant type: single nucleotide variant.
Coding change: c.468+2T>G on transcript NM_000016.6 (MANE Select); the canonical splice donor site of the intron after coding-DNA position 468, T replaced by G.
Molecular consequence: splice donor variant. On other transcripts: intron variant (1).
Genome position (GRCh38, 1-based): chr1:75,734,873, T>G. VCF-style: chr1-75734873-T-G. GRCh37 (hg19) VCF-style: chr1-76200558-T-G.
Other names: c.480+2T>G (NM_001127328.3); c.567+2T>G (NM_001286043.2); c.360+2T>G (NM_001286042.2); c.-100+1951T>G (NM_001286044.2).
Identifiers: ClinVar variation 958925 (VCV000958925.10), dbSNP rs1647214301, ClinGen allele CA340813089.